The following is an entry in ClinVar:

NC_000016.10:g.(89784965_89791402)_(89808368_89810706)del

Gene: FANCA (FA complementation group A; minus strand). Cytogenetic location: 16q24.3.
Variant type: Deletion.
Identifiers: ClinVar variation 974196 (VCV000974196.1).

ClinVar aggregate classification (germline): Pathogenic (0 of 4 stars; one submission).

Conditions:
Fanconi anemia complementation group A (FANCA). Also called: Fanconi anemia, group A; FANCA-Related Fanconi Anemia. Identifiers: Orphanet 84, MedGen C3469521, MONDO:0009215, OMIM 227650.

Submission:

Leiden Open Variation Database
Classification: Pathogenic for Fanconi anemia complementation group A. Last evaluated: 2020-02-28. Review status: no assertion criteria provided. Collection method: curation. Allele origin: germline. Affected: yes.
Comment: Curator: Arleen D. Auerbach. Submitter to LOVD: Arleen D. Auerbach.

Literature cited by the submitters: PubMed 10521298.